The following is an entry in ClinVar:

NM_001190274.2(FBXO11):c.2655-19G>A

Genes: FBXO11 (F-box protein 11; minus strand), MSH6 (mutS homolog 6; plus strand). Cytogenetic location: 2p16.3.
Variant type: single nucleotide variant.
Coding change: c.2655-19G>A on transcript NM_001190274.2 (MANE Select); 19 bases into the intron before coding-DNA position 2655, G replaced by A.
Molecular consequence: intron variant.
Genome position (GRCh38, 1-based): chr2:47,808,266, C>T on the plus strand (G>A on the coding strand, the complement: FBXO11 is on the minus strand). VCF-style: chr2-47808266-C-T. GRCh37 (hg19) VCF-style: chr2-48035405-C-T.
Other names: c.2403-19G>A (NM_001374325.1, NM_025133.4).
Identifiers: ClinVar variation 2036646 (VCV002036646.4), dbSNP rs551629368, ClinGen allele CA2580066847.

ClinVar aggregate classification (germline): Uncertain significance (1 of 4 stars; one submission).

Submission:

Labcorp Genetics (formerly Invitae), Labcorp
Classification: Uncertain significance. Last evaluated: 2022-10-23. Review status: criteria provided, single submitter. Criteria: Invitae Variant Classification Sherloc (09022015). Collection method: clinical testing. Allele origin: germline.
Comment: In summary, the available evidence is currently insufficient to determine the role of this variant in disease. Therefore, it has been classified as a Variant of Uncertain Significance. Algorithms developed to predict the effect of sequence changes on RNA splicing suggest that this variant may create or strengthen a splice site. This variant has not been reported in the literature in individuals affected with FBXO11-related conditions. This variant is not present in population databases (gnomAD no frequency). This sequence change falls in intron 22 of the FBXO11 gene. It does not directly change the encoded amino acid sequence of the FBXO11 protein.